The following is an entry in ClinVar:

ClinVar aggregate classification (germline): Pathogenic (1 of 4 stars; one submission).

Conditions:
Familial thoracic aortic aneurysm and aortic dissection (TAAD). Also called: Thoracic aortic aneurysms and dissections. Identifiers: Orphanet 91387, MedGen C4707243, MONDO:0019625.
Marfan syndrome (MFS). Also called: FBN1-Related Marfan Syndrome; Marfan's syndrome; MARFAN SYNDROME, TYPE I; Marfan syndrome type 1; Marfan syndrome, classic. Identifiers: Orphanet 284963, Orphanet 558, MedGen C0024796, MONDO:0007947, OMIM 154700.

Submission:

Labcorp Genetics (formerly Invitae), Labcorp
Classification: Pathogenic for Marfan syndrome; Familial thoracic aortic aneurysm and aortic dissection. Last evaluated: 2022-02-22. Review status: criteria provided, single submitter. Criteria: Invitae Variant Classification Sherloc (09022015). Collection method: clinical testing. Allele origin: germline.
Comment: For these reasons, this variant has been classified as Pathogenic. ClinVar contains an entry for this variant (Variation ID: 850223). This variant has not been reported in the literature in individuals affected with FBN1-related conditions. This variant is not present in population databases (gnomAD no frequency). This sequence change creates a premature translational stop signal (p.Cys2617*) in the FBN1 gene. It is expected to result in an absent or disrupted protein product. Loss-of-function variants in FBN1 are known to be pathogenic (PMID: 17657824, 19293843).

Literature cited by the submitters: PubMed 17657824; PubMed 19293843.

NM_000138.5(FBN1):c.7851C>A (p.Cys2617Ter)

Gene: FBN1 (fibrillin 1; minus strand). Cytogenetic location: 15q21.1.
Variant type: single nucleotide variant.
Coding change: c.7851C>A on transcript NM_000138.5 (MANE Select); coding-DNA position 7851, C replaced by A.
Protein change: p.Cys2617Ter; replaces cysteine 2617 with a stop codon.
Molecular consequence: nonsense.
Genome position (GRCh38, 1-based): chr15:48,415,736, G>T on the plus strand (C>A on the coding strand, the complement: FBN1 is on the minus strand). VCF-style: chr15-48415736-G-T. GRCh37 (hg19) VCF-style: chr15-48707933-G-T.
Other names: short protein forms C2617*.
Identifiers: ClinVar variation 850223 (VCV000850223.7), dbSNP rs147019323, ClinGen allele CA392323398.
Genomic context (GRCh38, chr15:48,415,736, plus strand): 5'-GAAGCCGGCGGGACACATGCACTTGTAGCTCCCCAGGGTGTTGTGACAGGAGGCTCCTCC[G>T]CAGATGTGAGCGCTGAGGCATTCGTTTTCATCTGCAGGCAAAATAAGAAGCGGCATGTGT-3'